The following is an entry in ClinVar:

ClinVar aggregate classification (germline): Conflicting classifications of pathogenicity. Review status: criteria provided, conflicting classifications (1 of 4 stars). 12 submissions from 12 submitters: Uncertain significance (2); Benign (3); Likely benign (5). 2 of the submissions do not count toward it. Last evaluated 2026-07-17.

Conditions:
BRCA2-related disorder. Also called: BRCA2-related condition; BRCA2-related disorders. Identifiers: MedGen CN239275.
Hereditary cancer-predisposing syndrome. Also called: Hereditary Cancer Syndrome; Neoplastic Syndromes, Hereditary; Hereditary neoplastic syndrome; Tumor predisposition. Identifiers: Orphanet 140162, MedGen C0027672, MeSH D009386, MONDO:0015356.
Hereditary breast ovarian cancer syndrome. Also called: Hereditary breast and ovarian cancer syndrome; Breast and ovarian cancer; BRCA1- and BRCA2-Associated Hereditary Breast and Ovarian Cancer; Hereditary breast and/or ovarian cancer syndrome; Hereditary breast and ovarian cancer; Hereditary breast and ovarian cancer syndrome (HBOC). Identifiers: Orphanet 145, MedGen C0677776, MeSH D061325, MONDO:0003582. Disease mechanism: loss of function.
Breast-ovarian cancer, familial, susceptibility to, 2 (BROVCA2). Also called: BRCA2 Hereditary Breast and Ovarian Cancer. Identifiers: Orphanet 145, MedGen C2675520, MONDO:0012933, OMIM 612555. Disease mechanism: loss of function.

Allele frequency attached by ClinVar (database versions not stated): gnomAD 0.00001; gnomAD exomes 0.00001 and 0.00002; ExAC 0.00002; TOPMed 0.00002.
gnomAD v4.1: 29 of 1,613,694 alleles (0.0018%); highest among the groups gnomAD compares: Middle Eastern, 0.016%; no homozygotes.

Submissions (12):

PreventionGenetics, part of Exact Sciences
Classification: Likely benign for BRCA2-related condition. Last evaluated: 2026-07-17. Review status: criteria provided, single submitter. Criteria: ACMG Guidelines, 2015. Collection method: clinical testing. Allele origin: germline.
Comment: This variant is classified as likely benign based on ACMG/AMP sequence variant interpretation guidelines (Richards et al. 2015 PMID: 25741868, with internal and published modifications).

Labcorp Genetics (formerly Invitae), Labcorp
Classification: Benign for Hereditary breast ovarian cancer syndrome. Last evaluated: 2025-12-20. Review status: criteria provided, single submitter. Criteria: Invitae Variant Classification Sherloc (09022015). Collection method: clinical testing. Allele origin: germline.

Women's Health and Genetics/Laboratory Corporation of America, LabCorp
Classification: Likely benign. Last evaluated: 2025-11-21. Review status: criteria provided, single submitter. Criteria: LabCorp Variant Classification Summary - May 2015. Collection method: clinical testing. Allele origin: germline.
Comment: Variant summary: BRCA2 c.2771A>T (p.Asn924Ile) results in a non-conservative amino acid change located in the BRCA2, OB1 (IPR015187) domain of the encoded protein sequence. Algorithms developed to predict the effect of missense changes on protein structure and function are either unavailable or do not agree on the potential impact of this missense change. The variant allele was found at a frequency of 1.2e-05 in 250816 control chromosomes. The available data on variant occurrences in the general population are insufficient to allow any conclusion about variant significance. c.2771A>T has been observed in individual(s) affected with Hereditary Breast And Ovarian Cancer Syndrome (de Sanjose_2003, Velasco_2005, Wong-Brown_2015). These report(s) do not provide unequivocal conclusions about association of the variant with Hereditary Breast And Ovarian Cancer Syndrome. Co-occurrences with other pathogenic variant(s) have been reported (BRCA1 c.68_69delAG, p.Glu23ValfsX17; BRCA1 exon 8-11 del), providing supporting evidence for a benign role. At least one publication reports experimental evidence evaluating an impact on protein function (Biswas_2023), and shows this variant to be functionally compareable to wildtype. The following publications have been ascertained in the context of this evaluation (PMID: 37922907, 23929434, 15937982, 25682074, 12845657). ClinVar contains an entry for this variant (Variation ID: 51340). Based on the evidence outlined above, the variant was classified as likely benign.

Center for Genomic Medicine, Rigshospitalet, Copenhagen University Hospital
Classification: Benign. Last evaluated: 2025-03-04. Review status: criteria provided, single submitter. Criteria: ACMG Guidelines, 2015. Collection method: clinical testing. Allele origin: germline.

Quest Diagnostics Nichols Institute San Juan Capistrano
Classification: Uncertain significance. Last evaluated: 2024-04-13. Review status: criteria provided, single submitter. Criteria: Quest Diagnostics criteria. Collection method: clinical testing. Allele origin: unknown.
Comment: The BRCA2 c.2771A>T (p.Asn924Ile) variant has been reported in the published literature in individuals with breast cancer (PMIDs: 25682074 (2015), 15937982 (2005), 12845657 (2003)), as well as in at least one reportedly healthy individual (PMIDs: 33471991 (2021), 29641532 (2018), see also LOVD). Additionally, the variant has been reported to be located in a region of the BRCA2 gene that is tolerant to missense sequence changes (PMID: 31911673 (2020)). The frequency of this variant in the general population, 0.000012 (3/250816 chromosomes (Genome Aggregation Database)), is uninformative in the assessment of its pathogenicity. Analysis of this variant using bioinformatics tools for the prediction of the effect of amino acid changes on protein structure and function yielded predictions that this variant is damaging. Based on the available information, we are unable to determine the clinical significance of this variant.

GeneDx
Classification: Uncertain significance. Last evaluated: 2023-12-11. Review status: criteria provided, single submitter. Criteria: GeneDx Variant Classification Process June 2021. Collection method: clinical testing. Allele origin: germline. Affected: yes.
Comment: Published functional studies suggest a neutral effect: demonstrates cell viability and drug sensitivity comparable to wild type (PMID: 37922907); Not observed at significant frequency in large population cohorts (gnomAD); In silico analysis supports that this missense variant has a deleterious effect on protein structure/function; Observed in individuals with breast cancer (PMID: 12845657, 25682074, 15937982); Classified as benign (IARC class 1) in one multi-factorial likelihood assessment utilizing co-segregation, family history, pathology, and co-occurrence data, but specific clinical details were not provided (PMID: 34597585); Also known as 2999A>T; This variant is associated with the following publications: (PMID: 12845657, 23929434, 25682074, 15937982, 30212499, 37922907, 29641532, 34597585)

University of Washington Department of Laboratory Medicine, University of Washington
Classification: Likely benign for Hereditary cancer-predisposing syndrome. Last evaluated: 2023-03-23. Review status: criteria provided, single submitter. Criteria: Dines et al. (Genet Med. 2020). Collection method: curation. Allele origin: germline.
Comment: Missense variant in a coldspot region where missense variants are very unlikely to be pathogenic (PMID:31911673).

BRCA2 exon 11 coldspot. Reclassification based on statistical prior probability.

Color Diagnostics, LLC DBA Color Health
Classification: Likely benign for Hereditary cancer-predisposing syndrome. Last evaluated: 2023-03-16. Review status: criteria provided, single submitter. Criteria: ACMG Guidelines, 2015. Collection method: clinical testing. Allele origin: germline.

Ambry Genetics
Classification: Likely benign for Hereditary cancer-predisposing syndrome. Last evaluated: 2022-12-19. Review status: criteria provided, single submitter. Criteria: Ambry Variant Classification Scheme 2023. Collection method: clinical testing. Allele origin: germline.

Mendelics
Classification: Benign for Breast-ovarian cancer, familial, susceptibility to, 2. Last evaluated: 2019-05-28. Review status: criteria provided, single submitter. Criteria: Mendelics Assertion Criteria 2017. Collection method: clinical testing. Allele origin: unknown.

Sharing Clinical Reports Project (SCRP)
Classification: Likely benign for Breast-ovarian cancer, familial 2. Last evaluated: 2011-02-18. Review status: no assertion criteria provided. Collection method: clinical testing. Allele origin: germline. Not counted in ClinVar's aggregate classification.

Breast Cancer Information Core (BIC) (BRCA2)
Classification: Uncertain significance for Breast-ovarian cancer, familial 2. Last evaluated: 2004-02-20. Review status: no assertion criteria provided. Collection method: clinical testing. Allele origin: germline. Affected: yes. Observed: 2 variant alleles. Not counted in ClinVar's aggregate classification.

Literature cited by the submitters: PubMed 15937982 (cited by Women's Health and Genetics/Laboratory Corporation of America, LabCorp and Quest Diagnostics Nichols Institute San Juan Capistrano); PubMed 12845657 (cited by 3 submitters); PubMed 23929434 (cited by Women's Health and Genetics/Laboratory Corporation of America, LabCorp and Quest Diagnostics Nichols Institute San Juan Capistrano); PubMed 25682074 (cited by Women's Health and Genetics/Laboratory Corporation of America, LabCorp and Quest Diagnostics Nichols Institute San Juan Capistrano); PubMed 37922907 (cited by Women's Health and Genetics/Laboratory Corporation of America, LabCorp); PubMed 34597585 (cited by 3 submitters); PubMed 33471991 (cited by Quest Diagnostics Nichols Institute San Juan Capistrano); PubMed 29641532 (cited by Quest Diagnostics Nichols Institute San Juan Capistrano and Ambry Genetics); PubMed 31911673 (cited by Quest Diagnostics Nichols Institute San Juan Capistrano).

NM_000059.4(BRCA2):c.2771A>T (p.Asn924Ile)

Gene: BRCA2 (BRCA2 DNA repair associated; plus strand). Cytogenetic location: 13q13.1.
Variant type: single nucleotide variant.
Coding change: c.2771A>T on transcript NM_000059.4 (MANE Select); coding-DNA position 2771, A replaced by T.
Protein change: p.Asn924Ile; replaces asparagine 924 with isoleucine.
Molecular consequence: missense variant.
Genome position (GRCh38, 1-based): chr13:32,337,126, A>T. VCF-style: chr13-32337126-A-T. GRCh37 (hg19) VCF-style: chr13-32911263-A-T.
Other names: 2999A>T; short protein forms N924I.
Identifiers: ClinVar variation 51340 (VCV000051340.41), dbSNP rs80358530, ClinGen allele CA016313.